The following is an entry in ClinVar:

NM_020806.5(GPHN):c.1556C>A (p.Ala519Glu)

Gene: GPHN (gephyrin; plus strand). Cytogenetic location: 14q23.3.
Variant type: single nucleotide variant.
Coding change: c.1556C>A on transcript NM_020806.5 (MANE Select); coding-DNA position 1556, C replaced by A.
Protein change: p.Ala519Glu; replaces alanine 519 with glutamic acid.
Molecular consequence: missense variant.
Genome position (GRCh38, 1-based): chr14:67,113,101, C>A. VCF-style: chr14-67113101-C-A. GRCh37 (hg19) VCF-style: chr14-67579818-C-A.
Other names: c.1457C>A, p.Ala486Glu (NM_001024218.2); c.1616C>A, p.Ala539Glu (NM_001377514.1); c.1586C>A, p.Ala529Glu (NM_001377515.1); c.1577C>A, p.Ala526Glu (NM_001377516.1); c.1529C>A, p.Ala510Glu (NM_001377517.1); c.1514C>A, p.Ala505Glu (NM_001377518.1); c.1496C>A, p.Ala499Glu (NM_001377519.1); short protein forms A486E, A499E, A505E, A510E, A519E, A526E, A529E, A539E.
Identifiers: ClinVar variation 3612942 (VCV003612942.2).
Genomic context (GRCh38, chr14:67,113,101, plus strand): 5'-GAGGGGAATGTGTTTTGGCCAAAGGAACCCACATGGGCCCCTCAGAGATTGGTCTTCTGG[C>A]AACTGTAGGTGTCACAGAGGTTGAAGTTAATAAGTTTCCAGTGGTTGCAGTCATGTCAAC-3'
Protein context (NP_065857.1, residues 509-529): HMGPSEIGLL[Ala519Glu]TVGVTEVEVN

ClinVar aggregate classification (germline): Uncertain significance (1 of 4 stars; one submission).

Conditions:
Sulfite oxidase deficiency due to molybdenum cofactor deficiency type C. Also called: Molybdenum cofactor deficiency, complementation group C; Molybdenum cofactor deficiency C. Identifiers: Orphanet 308400, Orphanet 833, MedGen C1854990, MONDO:0014212, OMIM 615501.

gnomAD v4.1: 2 of 1,613,480 alleles (0.00012%); highest among the groups gnomAD compares: African/African-American, 0.0013%; no homozygotes.

Submission:

Labcorp Genetics (formerly Invitae), Labcorp
Classification: Uncertain significance for Sulfite oxidase deficiency due to molybdenum cofactor deficiency type C. Last evaluated: 2024-10-21. Review status: criteria provided, single submitter. Criteria: Invitae Variant Classification Sherloc (09022015). Collection method: clinical testing. Allele origin: germline.
Comment: This sequence change replaces alanine, which is neutral and non-polar, with glutamic acid, which is acidic and polar, at codon 519 of the GPHN protein (p.Ala519Glu). This variant is not present in population databases (gnomAD no frequency). This variant has not been reported in the literature in individuals affected with GPHN-related conditions. Invitae Evidence Modeling of protein sequence and biophysical properties (such as structural, functional, and spatial information, amino acid conservation, physicochemical variation, residue mobility, and thermodynamic stability) indicates that this missense variant is expected to disrupt GPHN protein function with a positive predictive value of 80%. In summary, the available evidence is currently insufficient to determine the role of this variant in disease. Therefore, it has been classified as a Variant of Uncertain Significance.